The following continues an entry in ClinVar:

NM_007294.4(BRCA1):c.5406+8T>C

Gene: BRCA1. ClinVar aggregate classification (germline): Benign. Benign (1).

Submissions 23 to 35 of 35:

GeneDx
Classification: Benign. Last evaluated: 2015-03-03. Review status: criteria provided, single submitter. Criteria: GeneDx Variant Classification Process June 2021. Collection method: clinical testing. Allele origin: germline. Affected: yes. Not counted in ClinVar's aggregate classification.
Comment: This variant is associated with the following publications: (PMID: 30209399)

Ambry Genetics
Classification: Benign for Hereditary cancer-predisposing syndrome. Last evaluated: 2014-07-21. Review status: criteria provided, single submitter. Criteria: Ambry Variant Classification Scheme 2023. Collection method: clinical testing. Allele origin: germline. Not counted in ClinVar's aggregate classification.

Eurofins Ntd Llc (ga)
Classification: Benign. Last evaluated: 2014-07-02. Review status: criteria provided, single submitter. Criteria: EGL Classification Definitions 2015. Collection method: clinical testing. Allele origin: germline. Observed: 6 variant alleles, 6 heterozygotes. Not counted in ClinVar's aggregate classification.

Women's Health and Genetics/Laboratory Corporation of America, LabCorp
Classification: Benign for Hereditary breast ovarian cancer syndrome. Last evaluated: 2014-04-14. Review status: criteria provided, single submitter. Criteria: LabCorp Variant Classification Summary - May 2015. Collection method: clinical testing. Allele origin: germline. Not counted in ClinVar's aggregate classification.

BRCAlab, Lund University
Classification: Benign for Breast-ovarian cancer, familial, susceptibility to, 1. Last evaluated: 2020-03-02. Review status: no assertion criteria provided. Collection method: clinical testing. Allele origin: germline. Affected: yes. Not counted in ClinVar's aggregate classification.

True Health Diagnostics
Classification: Likely benign for Hereditary cancer-predisposing syndrome. Last evaluated: 2017-12-08. Review status: no assertion criteria provided. Collection method: clinical testing. Allele origin: germline. Not counted in ClinVar's aggregate classification.

Counsyl
Classification: Benign for Breast-ovarian cancer, familial 1. Last evaluated: 2014-04-28. Review status: no assertion criteria provided. Collection method: literature only. Allele origin: unknown. Inheritance: Autosomal dominant inheritance. Not counted in ClinVar's aggregate classification.

Breast Cancer Information Core (BIC) (BRCA1)
Classification: Benign for Breast-ovarian cancer, familial 1. Last evaluated: 2006-07-19. Review status: no assertion criteria provided. Collection method: clinical testing. Allele origin: germline. Affected: yes. Observed: 801 variant alleles. Not counted in ClinVar's aggregate classification.

Brotman Baty Institute, University of Washington
No classification provided (evidence only). Condition: Breast-ovarian cancer, familial 1. Review status: no classification provided. Collection method: in vitro. Allele origin: not applicable. Functional consequence: functionally_normal. Not counted in ClinVar's aggregate classification.
ClinVar note: "not provided" was previously submitted as the classification for the variant. However, the classification appeared to be based only on an observation of functional data so it was converted to no classification on 2025-07-30.

Clinical Genetics Laboratory, Department of Pathology, Netherlands Cancer Institute
Classification: Benign. Review status: no assertion criteria provided. Collection method: clinical testing. Allele origin: germline. Affected: yes. Study: VKGL Data-share Consensus. Not counted in ClinVar's aggregate classification.

Department of Pathology and Laboratory Medicine, Sinai Health System
Classification: Benign for Malignant tumor of breast. Review status: no assertion criteria provided. Collection method: clinical testing. Allele origin: unknown. Affected: yes. Study: The Canadian Open Genetics Repository (COGR). Not counted in ClinVar's aggregate classification.
Comment: The BRCA1 c.5406+8T>C variant was identified in the literature however the frequency of this variant in an affected population was not provided. The variant was also identified in dbSBP (ID: rs55946644) as other, ClinVar (8x benign: ENIGMA, Invitae, Vantari Genetics, LabCorp, Baylor Miraca Genetics, Counsyl, Emory Genetics, BIC; 2x likely benign: Illumina, CHEO), Genesight-COGR (classified as benign by a clinical laboratory), LOVD 3.0 (7 entries, 2x predicted neutral, 1x no splicing defect), BIC Database (16x not pathogenic/low clinical significance, MAF>0.01) databases. The variant was not identified in the COSMIC, MutDB, UMD-LSDB, ARUP Laboratories, or Zhejiang University databases. The variant was also identified by our laboratory in 2 individuals with breast cancer. The variant was identified in control databases in 400 of 277096 chromosomes at a frequency of 0.001 increasing the likelihood this could be a low frequency benign variant (Genome Aggregation Consortium Feb 27, 2017). The variant was identified in the following populations at a frequency greater than 1%: African in 351 of 24014 chromosomes (freq: 0.015). Functional studies using splicing reporter minigene assays and patient RNA analysis indicate no effect on splicing (Steffensen 2014, Bonnet 2008, Thery 2011, Houdayer 2012). The variant occurs outside of the splicing consensus sequence and in silico or computational prediction software programs (SpliceSiteFinder, MaxEntScan, NNSPLICE, GeneSplicer, HumanSpliceFinder) do not predict a difference in splicing. In summary, based on the above information this variant meets our laboratory's criteria to be classified as benign.

Joint Genome Diagnostic Labs from Nijmegen and Maastricht, Radboudumc and MUMC+
Classification: Benign. Review status: no assertion criteria provided. Collection method: clinical testing. Allele origin: germline. Affected: yes. Study: VKGL Data-share Consensus. Not counted in ClinVar's aggregate classification.

Laboratory of Diagnostic Genome Analysis, Leiden University Medical Center (LUMC)
Classification: Benign. Review status: no assertion criteria provided. Collection method: clinical testing. Allele origin: germline. Affected: yes. Study: VKGL Data-share Consensus. Not counted in ClinVar's aggregate classification.

Literature cited by the submitters: DOI 10.3389/fgene.2022.834265 (cited by National Health Laboratory Service, Universitas Academic Hospital and University of the Free State); PubMed 36329109 (cited by Genetics Program, Instituto Nacional de Cancer); PubMed 30209399 (cited by Genetics Program, Instituto Nacional de Cancer); PubMed 24729269 (cited by Illumina Laboratory Services, Illumina); PubMed 24667779 (cited by 3 submitters); PubMed 21673748 (cited by Illumina Laboratory Services, Illumina and Counsyl); PubMed 18424508 (cited by 3 submitters); PubMed 22505045 (cited by 3 submitters); PubMed 21520273 (cited by Women's Health and Genetics/Laboratory Corporation of America, LabCorp); PubMed 10800284 (cited by Women's Health and Genetics/Laboratory Corporation of America, LabCorp); PubMed 11183185 (cited by Women's Health and Genetics/Laboratory Corporation of America, LabCorp); PubMed 17990260 (cited by Women's Health and Genetics/Laboratory Corporation of America, LabCorp).